The following is an entry in ClinVar:

NM_017514.5(PLXNA3):c.3219C>T (p.Asn1073=)

Gene: PLXNA3 (plexin A3; plus strand). Cytogenetic location: Xq28.
Variant type: single nucleotide variant.
Coding change: c.3219C>T on transcript NM_017514.5 (MANE Select); coding-DNA position 3219, C replaced by T.
Protein change: p.Asn1073=; no amino-acid change (asparagine 1073 retained).
Molecular consequence: synonymous variant.
Genome position (GRCh38, 1-based): chrX:154,467,249, C>T. VCF-style: chrX-154467249-C-T. GRCh37 (hg19) VCF-style: chrX-153695592-C-T.
Identifiers: ClinVar variation 791105 (VCV000791105.7), dbSNP rs56277624, ClinGen allele CA10564591.
Genomic context (GRCh38, chrX:154,467,249, plus strand): 5'-CCCATGGCTTCACGTGCCTGGCTGTCCACCTTTGTCCCCACAGACATGCCAAGTGATCAA[C>T]GACACTGCCATGCTGTGTAAGGCCCCCGGCATCTTTCTTGGGCGGCCCCAGCCTCGGGCG-3'
Protein context (NP_059984.3, residues 1063-1083): IETTNTCQVI[Asn1073=]DTAMLCKAPG

ClinVar aggregate classification (germline): Benign. Review status: criteria provided, multiple submitters, no conflicts (2 of 4 stars). 3 submissions from 3 submitters: Benign (2). 1 of the submissions does not count toward it. Last evaluated 2019-12-31.

Conditions:
PLXNA3-related disorder. Also called: PLXNA3-related condition.

Allele frequency attached by ClinVar (database versions not stated): gnomAD 0.00348 and 0.00446; TOPMed 0.00401; ESP Exome Variant Server 0.00426; gnomAD exomes 0.00793; 1000 Genomes Project 0.00795; 1000 Genomes Project 30x 0.00812; ExAC 0.00839.
gnomAD v4.1: 6,326 of 1,208,794 alleles (0.52%); highest among the groups gnomAD compares: Middle Eastern, 3.7%; 50 homozygotes.

Submissions (3):

Labcorp Genetics (formerly Invitae), Labcorp
Classification: Benign. Last evaluated: 2019-12-31. Review status: criteria provided, single submitter. Criteria: Invitae Variant Classification Sherloc (09022015). Collection method: clinical testing. Allele origin: germline.

Breakthrough Genomics
Classification: Benign. Review status: criteria provided, single submitter. Criteria: ACMG Guidelines, 2015. Collection method: not provided. Allele origin: germline. Inheritance: Unknown mechanism. Affected: yes.

PreventionGenetics, part of Exact Sciences
Classification: Benign for PLXNA3-related condition. Last evaluated: 2019-02-28. Review status: no assertion criteria provided. Collection method: clinical testing. Allele origin: germline. Not counted in ClinVar's aggregate classification.
Comment: This variant is classified as benign based on ACMG/AMP sequence variant interpretation guidelines (Richards et al. 2015 PMID: 25741868, with internal and published modifications).